The following is an entry in ClinVar:

ClinVar aggregate classification (germline): Uncertain significance. Review status: criteria provided, multiple submitters, no conflicts (2 of 4 stars). 2 submissions from 2 submitters: Uncertain significance (2). Last evaluated 2026-02-24.

Conditions:
Cardiovascular phenotype. Identifiers: MedGen CN230736.

gnomAD v4.1: 1 of 1,614,048 alleles (0.000062%); highest among the groups gnomAD compares: Non-Finnish European, 0.000085%; no homozygotes.

Submissions (2):

Ambry Genetics
Classification: Uncertain significance for Cardiovascular phenotype. Last evaluated: 2026-02-24. Review status: criteria provided, single submitter. Criteria: Ambry Variant Classification Scheme 2023. Collection method: clinical testing. Allele origin: germline.
Comment: The p.G3150R variant (also known as c.9448G>C), located in coding exon 38 of the ANK2 gene, results from a G to C substitution at nucleotide position 9448. The glycine at codon 3150 is replaced by arginine, an amino acid with dissimilar properties. This amino acid position is conserved. In addition, the in silico prediction for this alteration is inconclusive. Based on the available evidence, the clinical significance of this variant remains unclear.

GeneDx
Classification: Uncertain significance. Last evaluated: 2024-11-26. Review status: criteria provided, single submitter. Criteria: GeneDx Variant Classification Process June 2021. Collection method: clinical testing. Allele origin: germline. Affected: yes.
Comment: Not observed at significant frequency in large population cohorts (gnomAD); In silico analysis supports that this missense variant has a deleterious effect on protein structure/function; Has not been previously published as pathogenic or benign to our knowledge

NM_001148.6(ANK2):c.9448G>C (p.Gly3150Arg)

Gene: ANK2 (ankyrin 2; plus strand). Cytogenetic location: 4q26.
Variant type: single nucleotide variant.
Coding change: c.9448G>C on transcript NM_001148.6 (MANE Select); coding-DNA position 9448, G replaced by C.
Protein change: p.Gly3150Arg; replaces glycine 3150 with arginine.
Molecular consequence: missense variant. On other transcripts: intron variant (68).
Genome position (GRCh38, 1-based): chr4:113,358,066, G>C. VCF-style: chr4-113358066-G-C. GRCh37 (hg19) VCF-style: chr4-114279222-G-C.
Other names: c.9214G>C, p.Gly3072Arg (NM_001386142.1); c.5848G>C, p.Gly1950Arg (NM_001386166.1); c.9589G>C, p.Gly3197Arg (NM_001386174.1); c.9565G>C, p.Gly3189Arg (NM_001386175.1); c.4412-2757G>C (NM_001386186.2, NM_001386148.2); c.4214-2757G>C (NM_001354269.3); c.4292-2757G>C (NM_001386187.2); c.4253-2757G>C (NM_001386147.1); and 35 more; short protein forms G1950R, G3072R, G3150R, G3189R, G3197R.
Identifiers: ClinVar variation 3900186 (VCV003900186.2).